The following is an entry in ClinVar:

NM_006031.6(PCNT):c.1958_2154+31del

Gene: PCNT (pericentrin; plus strand). Cytogenetic location: 21q22.3.
Variant type: Deletion.
Coding change: c.1958_2154+31del on transcript NM_006031.6 (MANE Select); coding-DNA position 1958 through 31 bases into the intron after coding-DNA position 2154, 228 bases deleted.
Molecular consequence: splice donor variant.
Genome position (GRCh38, 1-based): chr21:46,356,995-46,357,222, 228 bases deleted. GRCh37 (hg19): chr21:47,776,910-47,777,137.
Other names: c.1604_1800+31del (NM_001315529.2).
Identifiers: ClinVar variation 2730348 (VCV002730348.3), dbSNP rs2518152935, ClinGen allele CA2697547653.

ClinVar aggregate classification (germline): Likely pathogenic (1 of 4 stars; one submission).

Submission:

Labcorp Genetics (formerly Invitae), Labcorp
Classification: Likely pathogenic. Last evaluated: 2023-06-27. Review status: criteria provided, single submitter. Criteria: Invitae Variant Classification Sherloc (09022015). Collection method: clinical testing. Allele origin: germline.
Comment: In summary, the currently available evidence indicates that the variant is pathogenic, but additional data are needed to prove that conclusively. Therefore, this variant has been classified as Likely Pathogenic. Algorithms developed to predict the effect of sequence changes on RNA splicing suggest that this variant may disrupt the consensus splice site. This variant has not been reported in the literature in individuals affected with PCNT-related conditions. This variant is not present in population databases (gnomAD no frequency). This variant results in the deletion of part of exon 13 (c.1958_2154+31del) of the PCNT gene. It is expected to disrupt RNA splicing. Variants that disrupt the donor or acceptor splice site typically lead to a loss of protein function (PMID: 16199547), and loss-of-function variants in PCNT are known to be pathogenic (PMID: 18174396, 22821869).

Literature cited by the submitters: PubMed 16199547; PubMed 18174396; PubMed 22821869.